The following is an entry in ClinVar:

NM_006031.6(PCNT):c.6899del (p.His2300fs)

Gene: PCNT (pericentrin; plus strand). Cytogenetic location: 21q22.3.
Variant type: Deletion.
Coding change: c.6899del on transcript NM_006031.6 (MANE Select); coding-DNA position 6899, one base deleted (A; older notation c.6899delA).
Protein change: p.His2300fs; shifts the reading frame from histidine 2300.
Molecular consequence: frameshift variant.
Genome position (GRCh38, 1-based): chr21:46,416,817, A deleted. VCF-style (leftmost placement, unchanged base first): chr21-46416816-CA-C. GRCh37 (hg19) VCF-style: chr21-47836730-CA-C.
Other names: c.6545del, p.His2182fs (NM_001315529.2); short protein forms H2182fs, H2300fs.
Identifiers: ClinVar variation 1878985 (VCV001878985.1), dbSNP rs2518831128, ClinGen allele CA2580099055.

ClinVar aggregate classification (germline): Pathogenic (1 of 4 stars; one submission).

Submission:

GeneDx
Classification: Pathogenic. Last evaluated: 2022-07-12. Review status: criteria provided, single submitter. Criteria: GeneDx Variant Classification Process June 2021. Collection method: clinical testing. Allele origin: germline. Affected: yes.
Comment: Frameshift variant predicted to result in protein truncation or nonsense mediated decay in a gene for which loss of function is a known mechanism of disease; Not observed at significant frequency in large population cohorts (gnomAD); This variant is associated with the following publications: (PMID: 22821869)